The following is an entry in ClinVar:

ClinVar aggregate classification (germline): Likely pathogenic (1 of 4 stars; one submission).

Conditions:
KMT2A-related disorder. Also called: KMT2A-related condition.

Submission:

PreventionGenetics, part of Exact Sciences
Classification: Likely pathogenic for KMT2A-related condition. Last evaluated: 2025-04-03. Review status: criteria provided, single submitter. Criteria: ACMG Guidelines, 2015. Collection method: clinical testing. Allele origin: germline.
Comment: The KMT2A c.7405dupG variant is predicted to result in a frameshift and premature protein termination (p.Asp2469Glyfs*2). To our knowledge, this variant has not been reported in the literature or in a large population database (gnomAD), indicating this variant is rare. Frameshift variants in KMT2A are expected to be pathogenic. This variant is interpreted as likely pathogenic.

NM_001197104.2(KMT2A):c.7405dup (p.Asp2469fs)

Gene: KMT2A (lysine methyltransferase 2A; plus strand). Cytogenetic location: 11q23.3.
Variant type: Duplication.
Coding change: c.7405dup on transcript NM_001197104.2 (MANE Select); coding-DNA position 7405, one base duplicated (G; older notation c.7405dupG).
Protein change: p.Asp2469fs; shifts the reading frame from aspartic acid 2469.
Molecular consequence: frameshift variant.
Genome position (GRCh38, 1-based): chr11:118,503,297, G duplicated; the last of 2 consecutive G bases (chr11:118,503,296-118,503,297); duplicating either gives the same sequence. VCF-style (leftmost placement, unchanged base first): chr11-118503295-T-TG. GRCh37 (hg19) VCF-style: chr11-118374010-T-TG.
Other names: c.7405dupG (NM_001197104.1); c.7495dup, p.Asp2499fs (NM_001412597.1); c.7396dup, p.Asp2466fs (NM_005933.4); short protein forms D2466fs, D2469fs, D2499fs.
Identifiers: ClinVar variation 5001199 (VCV005001199.1).